The following is an entry in ClinVar:

NM_000135.4(FANCA):c.471del (p.His158fs)

Gene: FANCA (FA complementation group A; minus strand). Cytogenetic location: 16q24.3.
Variant type: Deletion.
Coding change: c.471del on transcript NM_000135.4 (MANE Select); coding-DNA position 471, one base deleted (A; older notation c.471delA).
Protein change: p.His158fs; shifts the reading frame from histidine 158.
Molecular consequence: frameshift variant. On other transcripts: intron variant (1).
Genome position (GRCh38, 1-based): chr16:89,810,758, T deleted on the plus strand (A on the coding strand, the reverse complement: FANCA is on the minus strand). VCF-style (leftmost placement, unchanged base first): chr16-89810757-GT-G. GRCh37 (hg19) VCF-style: chr16-89877165-GT-G.
Other names: c.471del, p.His158fs (NM_001018112.3, NM_001286167.3); c.426+171del (NM_001351830.2); short protein forms H158fs.
Identifiers: ClinVar variation 5015116 (VCV005015116.1).

ClinVar aggregate classification (germline): Pathogenic (1 of 4 stars; one submission).

Conditions:
Fanconi anemia complementation group A (FANCA). Also called: Fanconi anemia, group A; FANCA-Related Fanconi Anemia. Identifiers: Orphanet 84, MedGen C3469521, MONDO:0009215, OMIM 227650.

Submission:

Myriad Genetics, Inc.
Classification: Pathogenic for Fanconi anemia complementation group A. Last evaluated: 2025-10-21. Review status: criteria provided, single submitter. Criteria: Myriad Autosomal Dominant, Autosomal Recessive and X-Linked Classification Criteria (2023). Collection method: clinical testing. Allele origin: unknown.
Comment: NM_000135.2(FANCA):c.471delA(H158Tfs*34) is expected to be pathogenic in the context of Fanconi anemia complementation group A. This variant is predicted to lead to an abnormal or absent protein product due to the creation of a premature termination codon in FANCA, a gene where loss-of-function variants are known to be pathogenic. Please note: this variant was assessed in the context of healthy population screening.